The following is an entry in ClinVar:

ClinVar aggregate classification (germline): Uncertain significance (1 of 4 stars; one submission).

Allele frequency attached by ClinVar (database versions not stated): ExAC 0.00001.
gnomAD v4.1: 3 of 1,607,400 alleles (0.00019%); highest among the groups gnomAD compares: Non-Finnish European, 0.00026%; no homozygotes.

Submission:

Labcorp Genetics (formerly Invitae), Labcorp
Classification: Uncertain significance. Last evaluated: 2023-07-10. Review status: criteria provided, single submitter. Criteria: Invitae Variant Classification Sherloc (09022015). Collection method: clinical testing. Allele origin: germline.
Comment: In summary, the available evidence is currently insufficient to determine the role of this variant in disease. Therefore, it has been classified as a Variant of Uncertain Significance. Algorithms developed to predict the effect of sequence changes on RNA splicing suggest that this variant may disrupt the consensus splice site. This variant has not been reported in the literature in individuals affected with GUCY2C-related conditions. The frequency data for this variant in the population databases is considered unreliable, as metrics indicate poor data quality at this position in the gnomAD database. This sequence change affects an acceptor splice site in intron 22 of the GUCY2C gene. It is expected to disrupt RNA splicing. Variants that disrupt the donor or acceptor splice site typically lead to a loss of protein function (PMID: 16199547), however the current clinical and genetic evidence is not sufficient to establish whether loss-of-function variants in GUCY2C cause disease.

Literature cited by the submitters: PubMed 16199547.

NM_004963.4(GUCY2C):c.2602-2A>G

Gene: GUCY2C (guanylate cyclase 2C; minus strand). Cytogenetic location: 12p12.3.
Variant type: single nucleotide variant.
Coding change: c.2602-2A>G on transcript NM_004963.4 (MANE Select); the canonical splice acceptor site of the intron before coding-DNA position 2602, A replaced by G.
Molecular consequence: splice acceptor variant.
Genome position (GRCh38, 1-based): chr12:14,621,218, T>C on the plus strand (A>G on the coding strand, the complement: GUCY2C is on the minus strand). VCF-style: chr12-14621218-T-C. GRCh37 (hg19) VCF-style: chr12-14774152-T-C.
Identifiers: ClinVar variation 2786419 (VCV002786419.3), dbSNP rs745657418, ClinGen allele CA6463024.